The following is an entry in ClinVar:

NM_004970.3(IGFALS):c.264C>T (p.Ser88=)

Gene: IGFALS (insulin like growth factor binding protein acid labile subunit; minus strand). Cytogenetic location: 16p13.3.
Variant type: single nucleotide variant.
Coding change: c.264C>T on transcript NM_004970.3 (MANE Select); coding-DNA position 264, C replaced by T.
Protein change: p.Ser88=; no amino-acid change (serine 88 retained).
Molecular consequence: synonymous variant. On other transcripts: non-coding transcript variant (1).
Genome position (GRCh38, 1-based): chr16:1,792,154, G>A on the plus strand (C>T on the coding strand, the complement: IGFALS is on the minus strand). VCF-style: chr16-1792154-G-A. GRCh37 (hg19) VCF-style: chr16-1842155-G-A.
Other names: c.378C>T, p.Ser126= (NM_001146006.2).
Identifiers: ClinVar variation 749365 (VCV000749365.5), dbSNP rs143713567, ClinGen allele CA7820645.
Genomic context (GRCh38, chr16:1,792,154, plus strand): 5'-GCCGCCCTGCAGGTTGAGGAAGCCCAGGCTGGAGAGGTTCTGGAAGGCTGCCGGGGGGAC[G>A]GACGAGAGGTTGTTGCCGTCCAGCCACAGGGCTTGGGTGCCGCCCGGGACTCCATCAGGC-3'
Protein context (NP_004961.1, residues 78-98): ALWLDGNNLS[Ser88=]VPPAAFQNLS

ClinVar aggregate classification (germline): Likely benign. Review status: criteria provided, single submitter (1 of 4 stars). 2 submissions from 2 submitters: Likely benign (1). 1 of the submissions does not count toward it. Last evaluated 2018-06-16.

Conditions:
IGFALS-related disorder. Also called: IGFALS-related condition.

Allele frequency attached by ClinVar (database versions not stated): ExAC 0.00006; TOPMed 0.00007; gnomAD 0.00010 and 0.00011; ESP Exome Variant Server 0.00015.

Submissions (2):

Labcorp Genetics (formerly Invitae), Labcorp
Classification: Likely benign. Last evaluated: 2018-06-16. Review status: criteria provided, single submitter. Criteria: Invitae Variant Classification Sherloc (09022015). Collection method: clinical testing. Allele origin: germline.

PreventionGenetics, part of Exact Sciences
Classification: Likely benign for IGFALS-related condition. Last evaluated: 2019-05-15. Review status: no assertion criteria provided. Collection method: clinical testing. Allele origin: germline. Not counted in ClinVar's aggregate classification.
Comment: This variant is classified as likely benign based on ACMG/AMP sequence variant interpretation guidelines (Richards et al. 2015 PMID: 25741868, with internal and published modifications).